The following is an entry in ClinVar:

NM_003098.3(SNTA1):c.567A>T (p.Ser189=)

Gene: SNTA1 (syntrophin alpha 1; minus strand). Cytogenetic location: 20q11.21.
Variant type: single nucleotide variant.
Coding change: c.567A>T on transcript NM_003098.3 (MANE Select); coding-DNA position 567, A replaced by T.
Protein change: p.Ser189=; no amino-acid change (serine 189 retained).
Molecular consequence: synonymous variant.
Genome position (GRCh38, 1-based): chr20:33,417,853, T>A on the plus strand (A>T on the coding strand, the complement: SNTA1 is on the minus strand). VCF-style: chr20-33417853-T-A. GRCh37 (hg19) VCF-style: chr20-32005659-T-A.
Identifiers: ClinVar variation 378630 (VCV000378630.11), dbSNP rs552315106, ClinGen allele CA9817190.
Genomic context (GRCh38, chr20:33,417,853, plus strand): 5'-GAAGTTCCGGGGTGTGGGGCCAGGGGAGGAAGGCTGCCGCTGAAGGGGTGAGGCAGGAGG[T>A]GAGTCCCAGCCGACCGAGGTCCCACCAGTAGAGTTCTTGAAATACGGTGAGACGTCCTTC-3'
Protein context (NP_003089.1, residues 179-199): STGGTSVGWD[Ser189=]PPASPLQRQP

ClinVar aggregate classification (germline): Benign/Likely benign. Review status: criteria provided, multiple submitters, no conflicts (2 of 4 stars). 3 submissions from 3 submitters: Benign (2); Likely benign (1). Last evaluated 2025-02-12.

Conditions:
Cardiovascular phenotype. Identifiers: MedGen CN230736.
Long QT syndrome (LQTS). Identifiers: MedGen C0023976, MeSH D008133, MONDO:0002442. Disease mechanism: loss of function. Inheritance: Various modes of inheritance.

Allele frequency attached by ClinVar (database versions not stated): gnomAD below 0.00001 and 0.00006; TOPMed 0.00003; gnomAD exomes 0.00017 and 0.00033; 1000 Genomes Project 0.00020; ExAC 0.00040; 1000 Genomes Project 30x 0.00047.
gnomAD v4.1: 253 of 1,613,842 alleles (0.016%); highest among the groups gnomAD compares: South Asian, 0.27%; 3 homozygotes.

Submissions (3):

Labcorp Genetics (formerly Invitae), Labcorp
Classification: Benign for Long QT syndrome. Last evaluated: 2025-02-12. Review status: criteria provided, single submitter. Criteria: Invitae Variant Classification Sherloc (09022015). Collection method: clinical testing. Allele origin: germline.

Ambry Genetics
Classification: Likely benign for Cardiovascular phenotype. Last evaluated: 2022-12-06. Review status: criteria provided, single submitter. Criteria: Ambry Variant Classification Scheme 2023. Collection method: clinical testing. Allele origin: germline.

GeneDx
Classification: Benign. Last evaluated: 2016-10-20. Review status: criteria provided, single submitter. Criteria: GeneDx Variant Classification (06012015). Collection method: clinical testing. Allele origin: germline. Affected: yes.
Comment: This variant is considered likely benign or benign based on one or more of the following criteria: it is a conservative change, it occurs at a poorly conserved position in the protein, it is predicted to be benign by multiple in silico algorithms, and/or has population frequency not consistent with disease.